The following is an entry in ClinVar:

ClinVar aggregate classification (germline): Conflicting classifications of pathogenicity. Review status: criteria provided, conflicting classifications (1 of 4 stars). 4 submissions from 4 submitters: Uncertain significance (1); Likely benign (2). 1 of the submissions does not count toward it. Last evaluated 2025-11-08.

Conditions:
TMPRSS3-related disorder. Also called: TMPRSS3-related condition.
Autosomal recessive nonsyndromic hearing loss 8 (DFNB8). Also called: NEUROSENSORY NONSYNDROMIC RECESSIVE DEAFNESS 8; Deafness, autosomal recessive 10. Identifiers: Orphanet 90636, MedGen C1832827, MONDO:0010987, OMIM 601072.

Allele frequency attached by ClinVar (database versions not stated): 1000 Genomes Project 30x 0.00031; 1000 Genomes Project 0.00040; TOPMed 0.00002.
gnomAD v4.1: 142 of 1,614,216 alleles (0.0088%); highest among the groups gnomAD compares: Middle Eastern, 0.016%; no homozygotes.

Submissions (4):

Labcorp Genetics (formerly Invitae), Labcorp
Classification: Likely benign. Last evaluated: 2025-11-08. Review status: criteria provided, single submitter. Criteria: Invitae Variant Classification Sherloc (09022015). Collection method: clinical testing. Allele origin: germline.

CeGaT Center for Human Genetics Tuebingen
Classification: Likely benign. Last evaluated: 2024-02-01. Review status: criteria provided, single submitter. Criteria: CeGaT Center For Human Genetics Tuebingen Variant Classification Criteria Version 2. Collection method: clinical testing. Allele origin: germline. Affected: yes. Observed: 1 variant allele.
Comment: TMPRSS3: BP4, BP7

Illumina Laboratory Services, Illumina
Classification: Uncertain significance for Autosomal recessive nonsyndromic hearing loss 8. Last evaluated: 2018-01-13. Review status: criteria provided, single submitter. Criteria: ICSL Variant Classification Criteria 13 December 2019. Collection method: clinical testing. Allele origin: germline.

PreventionGenetics, part of Exact Sciences
Classification: Likely benign for TMPRSS3-related condition. Last evaluated: 2019-12-19. Review status: no assertion criteria provided. Collection method: clinical testing. Allele origin: germline. Not counted in ClinVar's aggregate classification.
Comment: This variant is classified as likely benign based on ACMG/AMP sequence variant interpretation guidelines (Richards et al. 2015 PMID: 25741868, with internal and published modifications).

NM_001256317.3(TMPRSS3):c.372G>A (p.Ser124=)

Gene: TMPRSS3 (transmembrane serine protease 3; minus strand). Cytogenetic location: 21q22.3.
Variant type: single nucleotide variant.
Coding change: c.372G>A on transcript NM_001256317.3 (MANE Select); coding-DNA position 372, G replaced by A.
Protein change: p.Ser124=; no amino-acid change (serine 124 retained).
Molecular consequence: synonymous variant. On other transcripts: 5 prime UTR variant (1).
Genome position (GRCh38, 1-based): chr21:42,388,477, C>T on the plus strand (G>A on the coding strand, the complement: TMPRSS3 is on the minus strand). VCF-style: chr21-42388477-C-T. GRCh37 (hg19) VCF-style: chr21-43808586-C-T.
Other names: c.372G>A, p.Ser124= (NM_024022.4, NM_032405.2); c.-10G>A (NM_032404.3).
Identifiers: ClinVar variation 897439 (VCV000897439.31), dbSNP rs141682398, ClinGen allele CA10042647.
Genomic context (GRCh38, chr21:42,388,477, plus strand): 5'-TTGGGCACAGGCAACATTTGCGTAGTGACCCTTCCAGTCATCGGAGCACATGGTCTTCCA[C>T]GAAGCAGCTGTGAACACCTGGAGCACGGCATTCTGACCACCCACCCGGACTGGCCGATGT-3'
Protein context (NP_001243246.1, residues 114-134): NAVLQVFTAA[Ser124=]WKTMCSDDWK